The following is an entry in ClinVar:

ClinVar aggregate classification (germline): Benign/Likely benign. Review status: criteria provided, multiple submitters, no conflicts (2 of 4 stars). 3 submissions from 3 submitters: Benign (1); Likely benign (2). Last evaluated 2026-01-06.

Conditions:
Intellectual developmental disorder, X-linked, syndromic 14. Also called: Syndromic X-linked intellectual disability 14. Identifiers: Orphanet 776, MedGen C1970822, MONDO:0010398, OMIM 300676.

Allele frequency attached by ClinVar (database versions not stated): ESP Exome Variant Server 0.00019; gnomAD exomes 0.00003 and 0.00007; TOPMed 0.00003; ExAC 0.00003; gnomAD 0.00003.
gnomAD v4.1: 82 of 1,211,435 alleles (0.0068%); highest among the groups gnomAD compares: Non-Finnish European, 0.0089%; no homozygotes.

Submissions (3):

Labcorp Genetics (formerly Invitae), Labcorp
Classification: Benign for Intellectual developmental disorder, X-linked, syndromic 14. Last evaluated: 2026-01-06. Review status: criteria provided, single submitter. Criteria: Invitae Variant Classification Sherloc (09022015). Collection method: clinical testing. Allele origin: germline.

CeGaT Center for Human Genetics Tuebingen
Classification: Likely benign. Last evaluated: 2025-01-01. Review status: criteria provided, single submitter. Criteria: CeGaT Center For Human Genetics Tuebingen Variant Classification Criteria Version 2. Collection method: clinical testing. Allele origin: germline. Affected: yes. Observed: 1 variant allele.
Comment: UPF3B: BP4, BP7, BS2

Blueprint Genetics
Classification: Likely benign. Last evaluated: 2020-01-27. Review status: criteria provided, single submitter. Criteria: ACMG Guidelines, 2015. Collection method: clinical testing. Allele origin: germline.

NM_080632.3(UPF3B):c.105G>A (p.Lys35=)

Gene: UPF3B (UPF3B regulator of nonsense mediated mRNA decay; minus strand). Cytogenetic location: Xq24.
Variant type: single nucleotide variant.
Coding change: c.105G>A on transcript NM_080632.3 (MANE Select); coding-DNA position 105, G replaced by A.
Protein change: p.Lys35=; no amino-acid change (lysine 35 retained).
Molecular consequence: synonymous variant.
Genome position (GRCh38, 1-based): chrX:119,852,824, C>T on the plus strand (G>A on the coding strand, the complement: UPF3B is on the minus strand). VCF-style: chrX-119852824-C-T. GRCh37 (hg19) VCF-style: chrX-118986787-C-T.
Other names: c.105G>A, p.Lys35= (NM_023010.4).
Identifiers: ClinVar variation 1598945 (VCV001598945.22), dbSNP rs143487370, ClinGen allele CA10503383.